The following is an entry in ClinVar:

NM_006623.4(PHGDH):c.1208A>G (p.Asn403Ser)

Gene: PHGDH (phosphoglycerate dehydrogenase; plus strand). Cytogenetic location: 1p12.
Variant type: single nucleotide variant.
Coding change: c.1208A>G on transcript NM_006623.4 (MANE Select); coding-DNA position 1208, A replaced by G.
Protein change: p.Asn403Ser; replaces asparagine 403 with serine.
Molecular consequence: missense variant.
Genome position (GRCh38, 1-based): chr1:119,741,896, A>G. VCF-style: chr1-119741896-A-G. GRCh37 (hg19) VCF-style: chr1-120284519-A-G.
Other names: short protein forms N403S.
Identifiers: ClinVar variation 780775 (VCV000780775.20), dbSNP rs139827025, ClinGen allele CA1037388.

ClinVar aggregate classification (germline): Conflicting classifications of pathogenicity. Review status: criteria provided, conflicting classifications (1 of 4 stars). 6 submissions from 6 submitters: Uncertain significance (2); Likely benign (3). 1 of the submissions does not count toward it. Last evaluated 2026-08-27.

Conditions:
PHGDH deficiency. Identifiers: Orphanet 79351, MedGen C1866174, MONDO:0011152, OMIM 601815.
PHGDH-related disorder. Also called: PHGDH-related condition.

Allele frequency attached by ClinVar (database versions not stated): 1000 Genomes Project 0.00020; gnomAD exomes 0.00020; ExAC 0.00026; 1000 Genomes Project 30x 0.00031; ESP Exome Variant Server 0.00062; gnomAD 0.00084 and 0.00091; TOPMed 0.00098.
gnomAD v4.1: 256 of 1,613,554 alleles (0.016%); highest among the groups gnomAD compares: African/African-American, 0.29%; no homozygotes.

Submissions (10):

GeneDx
Classification: Uncertain significance. Last evaluated: 2026-08-27. Review status: criteria provided, single submitter. Criteria: GeneDx Variant Classification Process June 2021. Collection method: clinical testing. Allele origin: germline.
Comment: In silico analysis suggests that this missense variant does not alter protein structure/function; Has not been previously published as pathogenic or benign to our knowledge; In silico analysis supports a deleterious effect on splicing

OLLIN Analises Genomicas, OLLIN
Classification: Uncertain significance for PHGDH deficiency. Last evaluated: 2026-08-06. Review status: criteria provided, single submitter. Criteria: ACMG Guidelines 2015 PMID 25741868. Collection method: clinical testing. Allele origin: germline.
Comment: This missense variant, located in exon 10 (of 12), has been reported in ClinVar (accession VCV000780775.18) and in gnomAD with an allele frequency of 0.016%. However, to our knowledge, it has not been reported in the scientific literature. In silico analysis predicts that this variant has a tolerated effect. According to the currently available evidence, this variant has been classified as uncertain significance (BP4).

Labcorp Genetics (formerly Invitae), Labcorp
Classification: Likely benign for PHGDH deficiency. Last evaluated: 2026-01-21. Review status: criteria provided, single submitter. Criteria: Invitae Variant Classification Sherloc (09022015). Collection method: clinical testing. Allele origin: germline.

PreventionGenetics, part of Exact Sciences
Classification: Likely benign for PHGDH-related condition. Last evaluated: 2025-02-25. Review status: criteria provided, single submitter. Criteria: ACMG Guidelines, 2015. Collection method: clinical testing. Allele origin: germline.
Comment: This variant is classified as likely benign based on ACMG/AMP sequence variant interpretation guidelines (Richards et al. 2015 PMID: 25741868, with internal and published modifications).

Women's Health and Genetics/Laboratory Corporation of America, LabCorp
Classification: Likely benign. Last evaluated: 2024-09-05. Review status: criteria provided, single submitter. Criteria: LabCorp Variant Classification Summary - May 2015. Collection method: clinical testing. Allele origin: germline.
Comment: Variant summary: PHGDH c.1208A>G (p.Asn403Ser) results in a conservative amino acid change located in the D-3-phosphoglycerate dehydrogenase, ASB domain of the encoded protein sequence. Five of five in-silico tools predict a benign effect of the variant on protein function. Several computational tools predict a significant impact on normal splicing: Two predict the variant abolishes a canonical 5' splicing donor site. However, these predictions have yet to be confirmed by functional studies. The variant allele was found at a frequency of 0.00016 in 1613554 control chromosomes, predominantly at a frequency of 0.0029 within the African or African-American subpopulation in the gnomAD database. The observed variant frequency within African or African-American control individuals in the gnomAD database is approximately 1.1 fold of the estimated maximal expected allele frequency for a pathogenic variant in PHGDH causing Phosphoglycerate Dehydrogenase Deficiency phenotype (0.0026). To our knowledge, no occurrence of c.1208A>G in individuals affected with Phosphoglycerate Dehydrogenase Deficiency and no experimental evidence demonstrating its impact on protein function have been reported. ClinVar contains an entry for this variant (Variation ID: 780775). Based on the evidence outlined above, the variant was classified as likely benign.

Natera, Inc.
Classification: Likely benign for Phosphoglycerate dehydrogenase deficiency. Last evaluated: 2020-01-05. Review status: no assertion criteria provided. Collection method: clinical testing. Allele origin: germline. Not counted in ClinVar's aggregate classification.

Dr. Peter K. Rogan Lab, Western University
No classification provided (evidence only). Condition: Lung cancer. Review status: no classification provided. Collection method: in vitro. Allele origin: not applicable. Functional consequence: retained intron. Not counted in ClinVar's aggregate classification.

Dr. Peter K. Rogan Lab, Western University
No classification provided (evidence only). Condition: Uterine corpus endometrial carcinoma. Review status: no classification provided. Collection method: in vitro. Allele origin: not applicable. Functional consequence: retained intron. Not counted in ClinVar's aggregate classification.

Dr. Peter K. Rogan Lab, Western University
No classification provided (evidence only). Condition: Cervical cancer. Review status: no classification provided. Collection method: in vitro. Allele origin: not applicable. Functional consequence: retained intron. Not counted in ClinVar's aggregate classification.

Dr. Peter K. Rogan Lab, Western University
No classification provided (evidence only). Condition: Ovarian serous cystadenocarcinoma. Review status: no classification provided. Collection method: in vitro. Allele origin: not applicable. Functional consequence: retained intron. Not counted in ClinVar's aggregate classification.